The following is an entry in ClinVar:

NM_014159.7(SETD2):c.5865A>T (p.Glu1955Asp)

Gene: SETD2 (SET domain containing 2, histone lysine methyltransferase; minus strand). Cytogenetic location: 3p21.31.
Variant type: single nucleotide variant.
Coding change: c.5865A>T on transcript NM_014159.7 (MANE Select); coding-DNA position 5865, A replaced by T.
Protein change: p.Glu1955Asp; replaces glutamic acid 1955 with aspartic acid.
Molecular consequence: missense variant. On other transcripts: non-coding transcript variant (1).
Genome position (GRCh38, 1-based): chr3:47,083,915, T>A on the plus strand (A>T on the coding strand, the complement: SETD2 is on the minus strand). VCF-style: chr3-47083915-T-A. GRCh37 (hg19) VCF-style: chr3-47125405-T-A.
Other names: c.5733A>T, p.Glu1911Asp (NM_001349370.3); short protein forms E1911D, E1955D.
Identifiers: ClinVar variation 1054534 (VCV001054534.1), dbSNP rs923467940, ClinGen allele CA73812802.

ClinVar aggregate classification (germline): Uncertain significance (1 of 4 stars; one submission).

Conditions:
Luscan-Lumish syndrome. Identifiers: Orphanet 597738, MedGen C4085873, MONDO:0014791, OMIM 616831.

Allele frequency attached by ClinVar (database versions not stated): gnomAD exomes below 0.00001; gnomAD 0.00001; TOPMed 0.00001.
gnomAD v4.1: 3 of 1,614,104 alleles (0.00019%); highest among the groups gnomAD compares: African/African-American, 0.004%; no homozygotes.

Submission:

Labcorp Genetics (formerly Invitae), Labcorp
Classification: Uncertain significance for Luscan-Lumish syndrome. Last evaluated: 2020-06-15. Review status: criteria provided, single submitter. Criteria: Invitae Variant Classification Sherloc (09022015). Collection method: clinical testing. Allele origin: germline.
Comment: This sequence change replaces glutamic acid with aspartic acid at codon 1955 of the SETD2 protein (p.Glu1955Asp). The glutamic acid residue is moderately conserved and there is a small physicochemical difference between glutamic acid and aspartic acid. This variant is not present in population databases (ExAC no frequency). This variant has not been reported in the literature in individuals with SETD2-related conditions. Algorithms developed to predict the effect of missense changes on protein structure and function (SIFT, PolyPhen-2, Align-GVGD) all suggest that this variant is likely to be tolerated, but these predictions have not been confirmed by published functional studies and their clinical significance is uncertain. In summary, the available evidence is currently insufficient to determine the role of this variant in disease. Therefore, it has been classified as a Variant of Uncertain Significance.